The following is an entry in ClinVar:

NM_014847.4(UBAP2L):c.544+19G>T

Gene: UBAP2L (ubiquitin associated protein 2 like; plus strand). Cytogenetic location: 1q21.3.
Variant type: single nucleotide variant.
Coding change: c.544+19G>T on transcript NM_014847.4 (MANE Select); 19 bases into the intron after coding-DNA position 544, G replaced by T.
Molecular consequence: intron variant.
Genome position (GRCh38, 1-based): chr1:154,235,310, G>T. VCF-style: chr1-154235310-G-T. GRCh37 (hg19) VCF-style: chr1-154207786-G-T.
Other names: c.544+19G>T (NM_001127320.3, NM_001375623.1, NM_001375627.1 and 14 more transcripts); c.577+19G>T (NM_001330730.1, NM_001287816.1, NM_001375625.1 and 2 more transcripts); c.523+19G>T (NM_001287815.1).
Identifiers: ClinVar variation 4885171 (VCV004885171.2).

ClinVar aggregate classification (germline): Uncertain significance (1 of 4 stars; one submission).

Submission:

Dasa
Classification: Uncertain significance. Last evaluated: 2025-12-13. Review status: criteria provided, single submitter. Criteria: DASA Assertion Criteria. Collection method: clinical testing. Allele origin: germline.
Comment: NM_014847.4(UBAP2L):c.544+19G>T is an intronic variant. This variant is absent from population databases. Computational prediction algorithms are consistent with a deleterious effect. The currently available literature and clinical evidence are not sufficient to establish a definitive association between this variant and the reported condition. Therefore, this variant is classified as a variant of uncertain significance.